The following is an entry in ClinVar:

NM_001172509.2(SATB2):c.343C>T (p.Gln115Ter)

Gene: SATB2 (SATB homeobox 2; minus strand). Cytogenetic location: 2q33.1.
Variant type: single nucleotide variant.
Coding change: c.343C>T on transcript NM_001172509.2 (MANE Select); coding-DNA position 343, C replaced by T.
Protein change: p.Gln115Ter; replaces glutamine 115 with a stop codon.
Molecular consequence: nonsense. On other transcripts: non-coding transcript variant (1).
Genome position (GRCh38, 1-based): chr2:199,433,341, G>A on the plus strand (C>T on the coding strand, the complement: SATB2 is on the minus strand). VCF-style: chr2-199433341-G-A. GRCh37 (hg19) VCF-style: chr2-200298064-G-A.
Other names: c.343C>T, p.Gln115Ter (NM_001172517.1, NM_015265.4); short protein forms Q115*.
Identifiers: ClinVar variation 573402 (VCV000573402.6), dbSNP rs1559052032, ClinGen allele CA350386616.

ClinVar aggregate classification (germline): Pathogenic. Review status: criteria provided, multiple submitters, no conflicts (2 of 4 stars). 2 submissions from 2 submitters: Pathogenic (2). Last evaluated 2023-06-13.

Conditions:
Inborn genetic diseases. Identifiers: MedGen C0950123, MeSH D030342.
Chromosome 2q32-q33 deletion syndrome (GLASS). Also called: Glass syndrome; 2q33.1 deletion syndrome. Identifiers: Orphanet 251019, MedGen C2676739, MONDO:0012864, OMIM 612313.

Submissions (2):

Ambry Genetics
Classification: Pathogenic for Inborn genetic diseases. Last evaluated: 2023-06-13. Review status: criteria provided, single submitter. Criteria: Ambry Variant Classification Scheme 2023. Collection method: clinical testing. Allele origin: germline.
Comment: The c.343C>T (p.Q115*) alteration, located in exon 4 (coding exon 2) of the SATB2 gene, consists of a C to T substitution at nucleotide position 343. This changes the amino acid from a glutamine (Q) to a stop codon at amino acid position 115. This alteration is expected to result in loss of function by premature protein truncation or nonsense-mediated mRNA decay. This variant was not reported in population-based cohorts in the Genome Aggregation Database (gnomAD). This variant has been previously reported in the heterozygous state in an individual with epilepsy (Truty, 2019). Based on the available evidence, this alteration is classified as pathogenic.

Labcorp Genetics (formerly Invitae), Labcorp
Classification: Pathogenic for Chromosome 2q32-q33 deletion syndrome. Last evaluated: 2021-08-31. Review status: criteria provided, single submitter. Criteria: Invitae Variant Classification Sherloc (09022015). Collection method: clinical testing. Allele origin: germline.

Literature cited by the submitters: PubMed 31440721 (cited by Ambry Genetics).